The following is an entry in ClinVar:

NM_001854.4(COL11A1):c.4724G>C (p.Gly1575Ala)

Gene: COL11A1 (collagen type XI alpha 1 chain; minus strand). Cytogenetic location: 1p21.1.
Variant type: single nucleotide variant.
Coding change: c.4724G>C on transcript NM_001854.4 (MANE Select); coding-DNA position 4724, G replaced by C.
Protein change: p.Gly1575Ala; replaces glycine 1575 with alanine.
Molecular consequence: missense variant. On other transcripts: non-coding transcript variant (1).
Genome position (GRCh38, 1-based): chr1:102,886,941, C>G on the plus strand (G>C on the coding strand, the complement: COL11A1 is on the minus strand). VCF-style: chr1-102886941-C-G. GRCh37 (hg19) VCF-style: chr1-103352497-C-G.
Other names: c.4607G>C, p.Gly1536Ala (NM_001190709.2); c.4760G>C, p.Gly1587Ala (NM_080629.3); c.4376G>C, p.Gly1459Ala (NM_080630.4); short protein forms G1536A, G1575A, G1587A, G1459A.
Identifiers: ClinVar variation 3638230 (VCV003638230.2).

ClinVar aggregate classification (germline): Uncertain significance (1 of 4 stars; one submission).

Submission:

Labcorp Genetics (formerly Invitae), Labcorp
Classification: Uncertain significance. Last evaluated: 2024-02-02. Review status: criteria provided, single submitter. Criteria: Invitae Variant Classification Sherloc (09022015). Collection method: clinical testing. Allele origin: germline.
Comment: This sequence change replaces glycine, which is neutral and non-polar, with alanine, which is neutral and non-polar, at codon 1575 of the COL11A1 protein (p.Gly1575Ala). This variant is not present in population databases (gnomAD no frequency). This variant has not been reported in the literature in individuals affected with COL11A1-related conditions. Advanced modeling of protein sequence and biophysical properties (such as structural, functional, and spatial information, amino acid conservation, physicochemical variation, residue mobility, and thermodynamic stability) performed at Invitae indicates that this missense variant is not expected to disrupt COL11A1 protein function with a negative predictive value of 95%. In summary, the available evidence is currently insufficient to determine the role of this variant in disease. Therefore, it has been classified as a Variant of Uncertain Significance.